The following is an entry in ClinVar:

NM_004006.3(DMD):c.1983T>A (p.Ser661Arg)

Gene: DMD (dystrophin; minus strand). Cytogenetic location: Xp21.1.
Variant type: single nucleotide variant.
Coding change: c.1983T>A on transcript NM_004006.3 (MANE Select); coding-DNA position 1983, T replaced by A.
Protein change: p.Ser661Arg; replaces serine 661 with arginine.
Molecular consequence: missense variant.
Genome position (GRCh38, 1-based): chrX:32,565,711, A>T on the plus strand (T>A on the coding strand, the complement: DMD is on the minus strand). VCF-style: chrX-32565711-A-T. GRCh37 (hg19) VCF-style: chrX-32583828-A-T.
Other names: c.1959T>A, p.Ser653Arg (NM_000109.4); c.1971T>A, p.Ser657Arg (NM_004009.3); c.1614T>A, p.Ser538Arg (NM_004010.3); short protein forms S653R, S657R, S661R, S538R.
Identifiers: ClinVar variation 2103142 (VCV002103142.4), dbSNP rs1603636536, ClinGen allele CA412672177.

ClinVar aggregate classification (germline): Uncertain significance (1 of 4 stars; one submission).

Conditions:
Duchenne muscular dystrophy (DMD). Also called: MUSCULAR DYSTROPHY, PSEUDOHYPERTROPHIC PROGRESSIVE, DUCHENNE TYPE; Duchenne Muscular Dystrophy (DMD). Identifiers: Orphanet 98896, MedGen C0013264, MONDO:0010679, OMIM 310200.

Allele frequency attached by ClinVar (database versions not stated): gnomAD exomes below 0.00001.
gnomAD v4.1: 3 of 1,210,683 alleles (0.00025%); highest among the groups gnomAD compares: Non-Finnish European, 0.00034%; no homozygotes.

Submission:

Labcorp Genetics (formerly Invitae), Labcorp
Classification: Uncertain significance for Duchenne muscular dystrophy. Last evaluated: 2022-02-24. Review status: criteria provided, single submitter. Criteria: Invitae Variant Classification Sherloc (09022015). Collection method: clinical testing. Allele origin: germline.
Comment: This sequence change replaces serine, which is neutral and polar, with arginine, which is basic and polar, at codon 661 of the DMD protein (p.Ser661Arg). In summary, the available evidence is currently insufficient to determine the role of this variant in disease. Therefore, it has been classified as a Variant of Uncertain Significance. Algorithms developed to predict the effect of missense changes on protein structure and function are either unavailable or do not agree on the potential impact of this missense change (SIFT: "Tolerated"; PolyPhen-2: "Possibly Damaging"; Align-GVGD: "Class C0"). This variant has not been reported in the literature in individuals affected with DMD-related conditions. This variant is not present in population databases (gnomAD no frequency).